The following is an entry in ClinVar:

NM_007194.4(CHEK2):c.*7T>C

Gene: CHEK2 (checkpoint kinase 2; minus strand). Cytogenetic location: 22q12.1.
Variant type: single nucleotide variant.
Coding change: c.*7T>C on transcript NM_007194.4 (MANE Select); 7 bases downstream of the stop codon, T replaced by C.
Molecular consequence: 3 prime UTR variant.
Genome position (GRCh38, 1-based): chr22:28,687,890, A>G on the plus strand (T>C on the coding strand, the complement: CHEK2 is on the minus strand). VCF-style: chr22-28687890-A-G. GRCh37 (hg19) VCF-style: chr22-29083878-A-G.
Other names: chr22:29,083,878A>G; c.*7T>C (NM_001005735.3, NM_001257387.3, NM_001349956.3 and 1 more transcripts).
Identifiers: ClinVar variation 132820 (VCV000132820.20), dbSNP rs121908710, ClinGen allele CA231723.

ClinVar aggregate classification (germline): Conflicting classifications of pathogenicity. Review status: criteria provided, conflicting classifications (1 of 4 stars). 13 submissions from 13 submitters: Uncertain significance (3); Benign (2); Likely benign (5). 3 of the submissions do not count toward it. Last evaluated 2025-10-14.

Conditions:
Hereditary cancer-predisposing syndrome. Also called: Hereditary neoplastic syndrome; Tumor predisposition; Neoplastic Syndromes, Hereditary; Hereditary Cancer Syndrome. Identifiers: Orphanet 140162, MedGen C0027672, MeSH D009386, MONDO:0015356.
Familial cancer of breast. Also called: hereditary breast carcinoma; Hereditary breast cancer; BREAST CANCER, FAMILIAL. Identifiers: Orphanet 227535, MedGen C0346153, MONDO:0016419, OMIM 114480. Disease mechanism: loss of function.
Malignant tumor of breast. Also called: Malignant breast neoplasm; Cancer breast. Identifiers: MedGen C0006142, MONDO:0007254. Disease mechanism: loss of function.

Allele frequency attached by ClinVar (database versions not stated): gnomAD 0.00008 and 0.00009; TOPMed 0.00009; ExAC 0.00010; gnomAD exomes 0.00011 and 0.00017; ESP Exome Variant Server 0.00014.
gnomAD v4.1: 174 of 1,593,510 alleles (0.011%); highest among the groups gnomAD compares: Non-Finnish European, 0.0048%; 1 homozygote.

Submissions (13):

Institute for Biomarker Research, Medical Diagnostic Laboratories, L.L.C.
Classification: Likely benign for Hereditary cancer-predisposing syndrome. Last evaluated: 2025-10-14. Review status: criteria provided, single submitter. Criteria: ACMG Guidelines, 2015. Collection method: clinical testing. Allele origin: germline.
Comment: The 3' UTR variant NM_001005735.2(CHEK2):c.*7T>C has not been reported previously as a pathogenic variant, to our knowledge. The c.*7T>C variant is observed in 32/9,864 (0.3244%) alleles from individuals of gnomAD Ashkenazi Jewish background in gnomAD, which is greater than expected for the disorder. The c.*7T>C variant is a UTR variant. For these reasons, this variant has been classified as Likely Benign.

Center for Genomic Medicine, Rigshospitalet, Copenhagen University Hospital
Classification: Likely benign. Last evaluated: 2025-03-04. Review status: criteria provided, single submitter. Criteria: ACMG Guidelines, 2015. Collection method: clinical testing. Allele origin: germline.

Myriad Genetics, Inc.
Classification: Benign for Familial cancer of breast. Last evaluated: 2024-10-09. Review status: criteria provided, single submitter. Criteria: Myriad Autosomal Dominant, Autosomal Recessive and X-Linked Classification Criteria (2023). Collection method: clinical testing. Allele origin: unknown.
Comment: This variant is considered benign. This variant occurs in the non-coding 3' untranslated region of the gene, and is not expected to impact protein function.

Blueprint Genetics
Classification: Likely benign. Last evaluated: 2024-08-29. Review status: criteria provided, single submitter. Criteria: ACMG Guidelines, 2015. Collection method: clinical testing. Allele origin: germline.

Mendelics
Classification: Likely benign for Familial cancer of breast. Last evaluated: 2019-05-28. Review status: criteria provided, single submitter. Criteria: Mendelics Assertion Criteria 2017. Collection method: clinical testing. Allele origin: unknown.

Ambry Genetics
Classification: Uncertain significance for Hereditary cancer-predisposing syndrome. Last evaluated: 2016-10-26. Review status: criteria provided, single submitter. Criteria: Ambry Variant Classification Scheme 2023. Collection method: clinical testing. Allele origin: germline.
Comment: The c.*7T>C alteration is located in the 3' untranslated region (3'UTR) of the CHEK2 gene. This alteration consists of a deletion of 1 nucleotides after the last coding exon of the CHEK2 gene. Based on insufficient or conflicting evidence, the clinical significance of this alteration remains unclear.

Genetic Services Laboratory, University of Chicago
Classification: Uncertain significance. Last evaluated: 2016-10-11. Review status: criteria provided, single submitter. Criteria: ACMG Guidelines, 2015. Collection method: clinical testing. Allele origin: germline. Affected: no.

Color Diagnostics, LLC DBA Color Health
Classification: Likely benign for Hereditary cancer-predisposing syndrome. Last evaluated: 2015-09-08. Review status: criteria provided, single submitter. Criteria: ACMG Guidelines, 2015. Collection method: clinical testing. Allele origin: germline.

Labcorp Genetics (formerly Invitae), Labcorp
Classification: Uncertain significance for Familial cancer of breast. Last evaluated: 2015-08-16. Review status: criteria provided, single submitter. Criteria: Invitae Variant Classification Sherloc (09022015). Collection method: clinical testing. Allele origin: germline.
Comment: This sequence change falls in the 3'UTR of the CHEK2 gene. It does not change the encoded amino acid sequence of the CHEK2 protein. This variant is present in population databases (rs121908710, 0.02%) and has been reported in the literature. ClinVar contains an entry for this variant (RCV000160461, RCV000119290 ). In summary, this is rare change that is not expected to impact CHEK2 protein. However the evidence is insufficient at this time to prove that conclusively. It has been classified as a Variant of Uncertain Significance.

GeneDx
Classification: Benign. Last evaluated: 2014-09-08. Review status: criteria provided, single submitter. Criteria: GeneDx Variant Classification (06012015). Collection method: clinical testing. Allele origin: germline. Affected: yes.
Comment: This variant is considered likely benign or benign based on one or more of the following criteria: it is a conservative change, it occurs at a poorly conserved position in the protein, it is predicted to be benign by multiple in silico algorithms, and/or has population frequency not consistent with disease.

Counsyl
Classification: Uncertain significance for Familial cancer of breast. Last evaluated: 2016-03-18. Review status: no assertion criteria provided. Collection method: clinical testing. Allele origin: unknown. Not counted in ClinVar's aggregate classification.

Department of Pathology and Laboratory Medicine, Sinai Health System
Classification: Likely benign for Malignant tumor of breast. Review status: no assertion criteria provided. Collection method: clinical testing. Allele origin: unknown. Affected: yes. Observed: 1 variant allele. Study: The Canadian Open Genetics Repository (COGR). Not counted in ClinVar's aggregate classification.
Comment: The CHEK2 c.*7T>C variant was not identified in the literature. The variant was identified in dbSNP (ID: rs121908710) as "With other allele", ClinVar (classified as benign by GeneDx; as likely being by Color; as uncertain significance by three submitters). The variant was identified in control databases in 40 of 260056 chromosomes at a frequency of 0.0002 increasing the likelihood this could be a low frequency benign variant (Genome Aggregation Database Feb 27, 2017). The variant was observed in the following populations: European in 7 of 121970 chromosomes (freq: 0.00006), Ashkenazi Jewish in 33 of 9956 chromosomes (freq: 0.003), while the variant was not observed in the African, Other, Latino, East Asian, Finnish, and South Asian populations. The variant occurs outside of the splicing consensus sequence and in silico or computational prediction software programs (SpliceSiteFinder, MaxEntScan, NNSPLICE, GeneSplicer) do not predict a difference in splicing. In summary, based on the above information the clinical significance of this variant cannot be determined with certainty at this time although we would lean towards a more benign role for this variant. This variant is classified as likely benign.

Institute. of Biochemistry and Experimental Oncology, First Faculty of Medicine, Charles University in Prague
No classification provided. Review status: no classification provided. Collection method: not provided. Allele origin: germline. Not counted in ClinVar's aggregate classification.
Comment: Characterized in 1 out of 340 Non-Hodgkin lymphoma patients.